The following is an entry in ClinVar:

ClinVar aggregate classification (germline): Likely benign (1 of 4 stars; one submission).

gnomAD v4.1: 326 of 1,613,508 alleles (0.02%); highest among the groups gnomAD compares: South Asian, 0.029%; 1 homozygote.

Submission:

CeGaT Center for Human Genetics Tuebingen
Classification: Likely benign. Last evaluated: 2024-10-01. Review status: criteria provided, single submitter. Criteria: CeGaT Center For Human Genetics Tuebingen Variant Classification Criteria Version 2. Collection method: clinical testing. Allele origin: germline. Affected: yes. Observed: 1 variant allele.
Comment: MUC4: BP4, BP7

NM_018406.7(MUC4):c.2607C>T (p.Pro869=)

Gene: MUC4 (mucin 4, cell surface associated). Cytogenetic location: 3q29.
Variant type: single nucleotide variant.
Coding change: c.2607C>T on transcript NM_018406.7 (MANE Select); coding-DNA position 2607, C replaced by T.
Protein change: p.Pro869=; no amino-acid change (proline 869 retained).
Molecular consequence: synonymous variant. On other transcripts: intron variant (2).
Genome position (GRCh38, 1-based): chr3:195,788,973, G>A on the plus strand (C>T on the coding strand, the complement: MUC4 is on the minus strand). VCF-style: chr3-195788973-G-A. GRCh37 (hg19) VCF-style: chr3-195515844-G-A.
Other names: c.83-14668C>T (NM_138297.5); c.83-10518C>T (NM_004532.6).
Identifiers: ClinVar variation 3388240 (VCV003388240.14).